The following is an entry in ClinVar:

NM_001243133.2(NLRP3):c.2912A>C (p.Lys971Thr)

Gene: NLRP3 (NLR family pyrin domain containing 3; plus strand). Cytogenetic location: 1q44.
Variant type: single nucleotide variant.
Coding change: c.2912A>C on transcript NM_001243133.2 (MANE Select); coding-DNA position 2912, A replaced by C.
Protein change: p.Lys971Thr; replaces lysine 971 with threonine.
Molecular consequence: missense variant.
Genome position (GRCh38, 1-based): chr1:247,444,728, A>C. VCF-style: chr1-247444728-A-C. GRCh37 (hg19) VCF-style: chr1-247608030-A-C.
Other names: c.2912A>C, p.Lys971Thr (NM_001079821.3); c.2741A>C, p.Lys914Thr (NM_001127461.3, NM_001127462.3); c.2918A>C, p.Lys973Thr (NM_004895.5); c.2570A>C, p.Lys857Thr (NM_183395.3); short protein forms K857T, K914T, K971T, K973T.
Identifiers: ClinVar variation 1001047 (VCV001001047.13), dbSNP rs1247641472, ClinGen allele CA345565643.

ClinVar aggregate classification (germline): Uncertain significance. Review status: criteria provided, multiple submitters, no conflicts (2 of 4 stars). 4 submissions from 4 submitters: Uncertain significance (4). Last evaluated 2024-12-12.

Conditions:
Cryopyrin associated periodic syndrome (CAPS). Identifiers: Orphanet 208650, MedGen C2316212, MONDO:0016168.
Inborn genetic diseases. Identifiers: MedGen C0950123, MeSH D030342.
Keratitis fugax hereditaria. Also called: KERATOENDOTHELIITIS FUGAX HEREDITARIA. Identifiers: Orphanet 647815, MedGen C1835697, MONDO:0007849, OMIM 148200.
Familial amyloid nephropathy with urticaria AND deafness (MWS). Also called: CRYOPYRIN-ASSOCIATED PERIODIC SYNDROME 2; UDA SYNDROME; URTICARIA-DEAFNESS-AMYLOIDOSIS SYNDROME; MUCKLE-WELLS SYNDROME; Urticaria, deafness and amyloidosis. Identifiers: Orphanet 575, MedGen C0268390, MONDO:0008633, OMIM 191900.
Familial cold autoinflammatory syndrome 1 (FCAS1). Also called: CRYOPYRIN-ASSOCIATED PERIODIC SYNDROME 1; Familial cold inflammatory syndrome 1. Identifiers: Orphanet 47045, MedGen C4551895, MONDO:0007349, OMIM 120100.
Chronic infantile neurological, cutaneous and articular syndrome (CINCA). Also called: CRYOPYRIN-ASSOCIATED PERIODIC SYNDROME 3; Prieur Griscelli syndrome; CINCA syndrome; CHRONIC NEUROLOGIC CUTANEOUS AND ARTICULAR SYNDROME. Identifiers: Orphanet 1451, MedGen C0409818, MONDO:0011776, OMIM 607115.
Hearing loss, autosomal dominant 34, with or without inflammation. Also called: DEAFNESS, AUTOSOMAL DOMINANT 34, WITH OR WITHOUT INFLAMMATION. Identifiers: MedGen C4521680, MONDO:0033261, OMIM 617772.

Allele frequency attached by ClinVar (database versions not stated): gnomAD 0.00001; TOPMed 0.00005.
gnomAD v4.1: 11 of 1,614,046 alleles (0.00068%); highest among the groups gnomAD compares: African/African-American, 0.0013%; no homozygotes.

Submissions (4):

GeneDx
Classification: Uncertain significance. Last evaluated: 2024-12-12. Review status: criteria provided, single submitter. Criteria: GeneDx Variant Classification Process June 2021. Collection method: clinical testing. Allele origin: germline. Affected: yes.
Comment: Not observed at significant frequency in large population cohorts (gnomAD); In silico analysis supports that this missense variant has a deleterious effect on protein structure/function; Has not been previously published as pathogenic or benign to our knowledge; Also known as p.K971T

Ambry Genetics
Classification: Uncertain significance for Inborn genetic diseases. Last evaluated: 2024-04-12. Review status: criteria provided, single submitter. Criteria: Ambry Variant Classification Scheme 2023. Collection method: clinical testing. Allele origin: germline.

Fulgent Genetics
Classification: Uncertain significance for Familial cold autoinflammatory syndrome 1; Keratitis fugax hereditaria; Familial amyloid nephropathy with urticaria AND deafness; Chronic infantile neurological, cutaneous and articular syndrome; Hearing loss, autosomal dominant 34, with or without inflammation. Last evaluated: 2024-02-20. Review status: criteria provided, single submitter. Criteria: ACMG Guidelines, 2015. Collection method: clinical testing. Allele origin: germline.

Labcorp Genetics (formerly Invitae), Labcorp
Classification: Uncertain significance for Cryopyrin associated periodic syndrome. Last evaluated: 2020-09-02. Review status: criteria provided, single submitter. Criteria: Invitae Variant Classification Sherloc (09022015). Collection method: clinical testing. Allele origin: germline.
Comment: In summary, the available evidence is currently insufficient to determine the role of this variant in disease. Therefore, it has been classified as a Variant of Uncertain Significance. Algorithms developed to predict the effect of missense changes on protein structure and function (SIFT, PolyPhen-2, Align-GVGD) all suggest that this variant is likely to be tolerated, but these predictions have not been confirmed by published functional studies and their clinical significance is uncertain. This variant has not been reported in the literature in individuals with NLRP3-related conditions. This variant is not present in population databases (ExAC no frequency). This sequence change replaces lysine with threonine at codon 973 of the NLRP3 protein (p.Lys973Thr). The lysine residue is weakly conserved and there is a moderate physicochemical difference between lysine and threonine.